The following is an entry in ClinVar:

NM_002294.3(LAMP2):c.1093+2514G>A

Gene: LAMP2 (lysosome associated membrane protein 2; minus strand). Cytogenetic location: Xq24.
Variant type: single nucleotide variant.
Coding change: c.1093+2514G>A on transcript NM_002294.3 (MANE Select); 2514 bases into the intron after coding-DNA position 1093, G replaced by A.
Molecular consequence: intron variant. On other transcripts: missense variant (1).
Genome position (GRCh38, 1-based): chrX:120,439,216, C>T on the plus strand (G>A on the coding strand, the complement: LAMP2 is on the minus strand). VCF-style: chrX-120439216-C-T. GRCh37 (hg19) VCF-style: chrX-119573071-C-T.
Other names: p.V391I:GTT>ATT; c.1171G>A, p.Val391Ile (NM_013995.2); c.1093+2514G>A (NM_001122606.1); short protein forms V391I.
Identifiers: ClinVar variation 45573 (VCV000045573.75), dbSNP rs144140265, ClinGen allele CA136678.

ClinVar aggregate classification (germline): Conflicting classifications of pathogenicity. Review status: criteria provided, conflicting classifications (1 of 4 stars). 19 submissions from 19 submitters: Uncertain significance (1); Benign (6); Likely benign (4). 8 of the submissions do not count toward it. Last evaluated 2026-01-12.

Conditions:
LAMP2-related disorder. Also called: LAMP2-related condition.
Cardiovascular phenotype. Identifiers: MedGen CN230736.
Danon disease. Also called: Glycogen Storage Disease Type IIb; PSEUDOGLYCOGENOSIS II; GSD IIb; LYSOSOMAL GLYCOGEN STORAGE DISEASE WITHOUT ACID MALTASE DEFICIENCY; ANTOPOL DISEASE. Identifiers: Orphanet 34587, MedGen C0878677, MONDO:0010281, OMIM 300257.
Hypertrophic cardiomyopathy. Also called: HYPERTROPHIC MYOCARDIOPATHY. Identifiers: Orphanet 217569, MedGen C0007194, MeSH D002312, MONDO:0005045, HP:0001639.

Allele frequency attached by ClinVar (database versions not stated): 1000 Genomes Project 0.00238; 1000 Genomes Project 30x 0.00271; TOPMed 0.00356; gnomAD exomes 0.00387 and 0.00712; gnomAD 0.00396 and 0.00404; ExAC 0.00406; ESP Exome Variant Server 0.00445.
gnomAD v4.1: 8,227 of 1,207,482 alleles (0.68%); highest among the groups gnomAD compares: Non-Finnish European, 0.84%; 24 homozygotes.

Submissions (19):

Labcorp Genetics (formerly Invitae), Labcorp
Classification: Benign for Danon disease. Last evaluated: 2026-01-12. Review status: criteria provided, single submitter. Criteria: Invitae Variant Classification Sherloc (09022015). Collection method: clinical testing. Allele origin: germline.

ARUP Laboratories, Molecular Genetics and Genomics, ARUP Laboratories
Classification: Benign for Danon disease. Last evaluated: 2025-06-11. Review status: criteria provided, single submitter. Criteria: ARUP Molecular Germline Variant Investigation Process 2024. Collection method: clinical testing. Allele origin: germline.

Molecular Diagnostic Laboratory for Inherited Cardiovascular Disease, Montreal Heart Institute
Classification: Likely benign. Last evaluated: 2025-04-08. Review status: criteria provided, single submitter. Criteria: ACMG Guidelines, 2015. Collection method: clinical testing. Allele origin: germline. Affected: no.

Blueprint Genetics
Classification: Likely benign. Last evaluated: 2024-11-26. Review status: criteria provided, single submitter. Criteria: ACMG Guidelines, 2015. Collection method: clinical testing. Allele origin: germline.

Molecular Genetics, Royal Melbourne Hospital
Classification: Likely benign for Danon disease. Last evaluated: 2023-10-06. Review status: criteria provided, single submitter. Criteria: ACMG Guidelines, 2015. Collection method: clinical testing. Allele origin: germline. Inheritance: X-linked inheritance.

Ambry Genetics
Classification: Benign for Cardiovascular phenotype. Last evaluated: 2017-10-13. Review status: criteria provided, single submitter. Criteria: Ambry Variant Classification Scheme 2023. Collection method: clinical testing. Allele origin: germline.

Center for Pediatric Genomic Medicine, Children's Mercy Hospital and Clinics
Classification: Benign. Last evaluated: 2016-09-20. Review status: criteria provided, single submitter. Criteria: ACMG Guidelines, 2015. Collection method: clinical testing. Allele origin: germline.

CeGaT Center for Human Genetics Tuebingen
Classification: Uncertain significance. Last evaluated: 2016-06-01. Review status: criteria provided, single submitter. Criteria: CeGaT Center For Human Genetics Tuebingen Variant Classification Criteria Version 2. Collection method: clinical testing. Allele origin: germline. Affected: yes. Observed: 1 variant allele.

Laboratory for Molecular Medicine, Mass General Brigham Personalized Medicine
Classification: Likely benign. Last evaluated: 2015-12-14. Review status: criteria provided, single submitter. Criteria: LMM Criteria. Collection method: clinical testing. Allele origin: germline. Observed: 43 variant alleles.
Comment: p.Val391Ile in exon 9B of LAMP2: This variant is not expected to have clinical s ignificance because it has been identified in 0.6% (294/47993) of European chrom osomes by the Exome Aggregation Consortium (ExAC ; dbSNP rs144140265).

GeneDx
Classification: Benign. Last evaluated: 2012-04-30. Review status: criteria provided, single submitter. Criteria: GeneDx Variant Classification (06012015). Collection method: clinical testing. Allele origin: germline. Affected: yes.
Comment: This variant is considered likely benign or benign based on one or more of the following criteria: it is a conservative change, it occurs at a poorly conserved position in the protein, it is predicted to be benign by multiple in silico algorithms, and/or has population frequency not consistent with disease.

Stanford Center for Inherited Cardiovascular Disease, Stanford University
Classification: Benign. Last evaluated: 2011-03-28. Review status: criteria provided, single submitter. Criteria: ACMG Guidelines, 2015. Collection method: provider interpretation. Allele origin: germline.

Cohesion Phenomics
Classification: Likely benign for Hypertrophic Cardiomyopathy. Last evaluated: 2022-09-29. Review status: no assertion criteria provided. Criteria: ACMG Guidelines, 2015. Collection method: clinical testing. Allele origin: germline. Affected: yes. Not counted in ClinVar's aggregate classification.

PreventionGenetics, part of Exact Sciences
Classification: Benign for LAMP2-related condition. Last evaluated: 2019-05-20. Review status: no assertion criteria provided. Collection method: clinical testing. Allele origin: germline. Not counted in ClinVar's aggregate classification.
Comment: This variant is classified as benign based on ACMG/AMP sequence variant interpretation guidelines (Richards et al. 2015 PMID: 25741868, with internal and published modifications).

Mayo Clinic Laboratories, Mayo Clinic
Classification: Benign. Last evaluated: 2017-08-16. Review status: no assertion criteria provided. Collection method: clinical testing. Allele origin: unknown. Not counted in ClinVar's aggregate classification.

Clinical Genetics DNA and cytogenetics Diagnostics Lab, Erasmus MC, Erasmus Medical Center
Classification: Benign. Review status: no assertion criteria provided. Collection method: clinical testing. Allele origin: germline. Affected: yes. Study: VKGL Data-share Consensus. Not counted in ClinVar's aggregate classification.

Clinical Genetics, Academic Medical Center
Classification: Benign. Review status: no assertion criteria provided. Collection method: clinical testing. Allele origin: germline. Affected: yes. Study: VKGL Data-share Consensus. Not counted in ClinVar's aggregate classification.

Diagnostic Laboratory, Department of Genetics, University Medical Center Groningen
Classification: Likely benign for Danon disease. Review status: no assertion criteria provided. Collection method: clinical testing. Allele origin: germline. Affected: yes. Study: VKGL Data-share Consensus. Not counted in ClinVar's aggregate classification.

Genome Diagnostics Laboratory, University Medical Center Utrecht
Classification: Likely benign. Review status: no assertion criteria provided. Collection method: clinical testing. Allele origin: germline. Affected: yes. Study: VKGL Data-share Consensus. Not counted in ClinVar's aggregate classification.

Joint Genome Diagnostic Labs from Nijmegen and Maastricht, Radboudumc and MUMC+
Classification: Benign. Review status: no assertion criteria provided. Collection method: clinical testing. Allele origin: germline. Affected: yes. Study: VKGL Data-share Consensus. Not counted in ClinVar's aggregate classification.